The following is an entry in ClinVar:

NM_005529.7(HSPG2):c.2890A>T (p.Thr964Ser)

Gene: HSPG2 (heparan sulfate proteoglycan 2; minus strand). Cytogenetic location: 1p36.12.
Variant type: single nucleotide variant.
Coding change: c.2890A>T on transcript NM_005529.7 (MANE Select); coding-DNA position 2890, A replaced by T.
Protein change: p.Thr964Ser; replaces threonine 964 with serine.
Molecular consequence: missense variant.
Genome position (GRCh38, 1-based): chr1:21,876,342, T>A on the plus strand (A>T on the coding strand, the complement: HSPG2 is on the minus strand). VCF-style: chr1-21876342-T-A. GRCh37 (hg19) VCF-style: chr1-22202835-T-A.
Other names: c.2893A>T, p.Thr965Ser (NM_001291860.2); c.2890A>T (NM_005529.5); short protein forms T964S, T965S.
Identifiers: ClinVar variation 585988 (VCV000585988.11), dbSNP rs557553229, ClinGen allele CA672817.

ClinVar aggregate classification (germline): Uncertain significance. Review status: criteria provided, multiple submitters, no conflicts (2 of 4 stars). 4 submissions from 4 submitters: Uncertain significance (4). Last evaluated 2021-10-06.

Conditions:
Inborn genetic diseases. Identifiers: MedGen C0950123, MeSH D030342.

Allele frequency attached by ClinVar (database versions not stated): gnomAD exomes 0.00008 and 0.00010; ExAC 0.00009; gnomAD 0.00011 and 0.00012; 1000 Genomes Project 30x 0.00016; TOPMed 0.00018; 1000 Genomes Project 0.00020.
gnomAD v4.1: 146 of 1,613,706 alleles (0.009%); highest among the groups gnomAD compares: Middle Eastern, 0.082%; no homozygotes.

Submissions (4):

Ambry Genetics
Classification: Uncertain significance for Inborn genetic diseases. Last evaluated: 2021-10-06. Review status: criteria provided, single submitter. Criteria: Ambry Variant Classification Scheme 2023. Collection method: clinical testing. Allele origin: germline.

Labcorp Genetics (formerly Invitae), Labcorp
Classification: Uncertain significance. Last evaluated: 2021-09-02. Review status: criteria provided, single submitter. Criteria: Invitae Variant Classification Sherloc (09022015). Collection method: clinical testing. Allele origin: germline.
Comment: This sequence change replaces threonine with serine at codon 964 of the HSPG2 protein (p.Thr964Ser). The threonine residue is weakly conserved and there is a small physicochemical difference between threonine and serine. This variant is present in population databases (rs557553229, ExAC 0.01%). This variant has not been reported in the literature in individuals affected with HSPG2-related conditions. ClinVar contains an entry for this variant (Variation ID: 585988). Algorithms developed to predict the effect of missense changes on protein structure and function (SIFT, PolyPhen-2, Align-GVGD) all suggest that this variant is likely to be tolerated. In summary, the available evidence is currently insufficient to determine the role of this variant in disease. Therefore, it has been classified as a Variant of Uncertain Significance.

Revvity Omics, Revvity
Classification: Uncertain significance. Last evaluated: 2019-07-16. Review status: criteria provided, single submitter. Criteria: ACMG Guidelines, 2015. Collection method: clinical testing. Allele origin: germline.

Athena Diagnostics
Classification: Uncertain significance. Last evaluated: 2017-10-25. Review status: criteria provided, single submitter. Criteria: Athena Diagnostics Criteria. Collection method: clinical testing. Allele origin: germline.